The following is an entry in ClinVar:

NM_006059.4(LAMC3):c.3192G>T (p.Gln1064His)

Gene: LAMC3 (laminin subunit gamma 3; plus strand). Cytogenetic location: 9q34.12.
Variant type: single nucleotide variant.
Coding change: c.3192G>T on transcript NM_006059.4 (MANE Select); coding-DNA position 3192, G replaced by T.
Protein change: p.Gln1064His; replaces glutamine 1064 with histidine.
Molecular consequence: missense variant.
Genome position (GRCh38, 1-based): chr9:131,071,606, G>T. VCF-style: chr9-131071606-G-T. GRCh37 (hg19) VCF-style: chr9-133946993-G-T.
Other names: short protein forms Q1064H.
Identifiers: ClinVar variation 435740 (VCV000435740.11), dbSNP rs373353612, ClinGen allele CA5287700.

ClinVar aggregate classification (germline): Uncertain significance. Review status: criteria provided, multiple submitters, no conflicts (2 of 4 stars). 3 submissions from 3 submitters: Uncertain significance (3). Last evaluated 2025-11-08.

Conditions:
Inborn genetic diseases. Identifiers: MedGen C0950123, MeSH D030342.

Allele frequency attached by ClinVar (database versions not stated): gnomAD 0.00005 and 0.00004; ESP Exome Variant Server 0.00015; gnomAD exomes 0.00005 and 0.00012; TOPMed 0.00003; ExAC 0.00010.
gnomAD v4.1: 182 of 1,596,062 alleles (0.011%); highest among the groups gnomAD compares: Middle Eastern, 0.067%; no homozygotes.

Submissions (3):

Ambry Genetics
Classification: Uncertain significance for Inborn genetic diseases. Last evaluated: 2025-11-08. Review status: criteria provided, single submitter. Criteria: Ambry Variant Classification Scheme 2023. Collection method: clinical testing. Allele origin: germline.

Labcorp Genetics (formerly Invitae), Labcorp
Classification: Uncertain significance. Last evaluated: 2022-07-21. Review status: criteria provided, single submitter. Criteria: Invitae Variant Classification Sherloc (09022015). Collection method: clinical testing. Allele origin: germline.
Comment: This sequence change replaces glutamine, which is neutral and polar, with histidine, which is basic and polar, at codon 1064 of the LAMC3 protein (p.Gln1064His). This variant is present in population databases (rs373353612, gnomAD 0.01%). This variant has not been reported in the literature in individuals affected with LAMC3-related conditions. ClinVar contains an entry for this variant (Variation ID: 435740). Algorithms developed to predict the effect of missense changes on protein structure and function output the following: SIFT: "Tolerated"; PolyPhen-2: "Benign"; Align-GVGD: "Class C0". The histidine amino acid residue is found in multiple mammalian species, which suggests that this missense change does not adversely affect protein function. In summary, the available evidence is currently insufficient to determine the role of this variant in disease. Therefore, it has been classified as a Variant of Uncertain Significance.

Genetic Services Laboratory, University of Chicago
Classification: Uncertain significance. Last evaluated: 2015-08-26. Review status: criteria provided, single submitter. Criteria: ACMG Guidelines, 2015. Collection method: clinical testing. Allele origin: germline. Affected: no.